The following is an entry in ClinVar:

NM_017947.4(MOCOS):c.61C>T (p.Pro21Ser)

Gene: MOCOS (molybdenum cofactor sulfurase; plus strand). Cytogenetic location: 18q12.2.
Variant type: single nucleotide variant.
Coding change: c.61C>T on transcript NM_017947.4 (MANE Select); coding-DNA position 61, C replaced by T.
Protein change: p.Pro21Ser; replaces proline 21 with serine.
Molecular consequence: missense variant.
Genome position (GRCh38, 1-based): chr18:36,187,600, C>T. VCF-style: chr18-36187600-C-T. GRCh37 (hg19) VCF-style: chr18-33767563-C-T.
Other names: c.61C>T (NM_017947.2); short protein forms P21S.
Identifiers: ClinVar variation 1507742 (VCV001507742.7), dbSNP rs1156588840, ClinGen allele CA402224674.

ClinVar aggregate classification (germline): Conflicting classifications of pathogenicity. Review status: criteria provided, conflicting classifications (1 of 4 stars). 2 submissions from 2 submitters: Uncertain significance (1); Likely benign (1). Last evaluated 2025-10-18.

Conditions:
Xanthinuria type II. Also called: Xanthine dehydrogenase and aldehyde oxidase combined deficiency of; XDH and AOX dual deficiency. Identifiers: Orphanet 3467, Orphanet 93602, MedGen C1863688, MONDO:0011346, OMIM 603592.

Allele frequency attached by ClinVar (database versions not stated): TOPMed below 0.00001; gnomAD exomes 0.00001 and 0.00006.

Submissions (2):

Ambry Genetics
Classification: Likely benign. Last evaluated: 2025-10-18. Review status: criteria provided, single submitter. Criteria: Ambry Variant Classification Scheme 2023. Collection method: clinical testing. Allele origin: germline.

Labcorp Genetics (formerly Invitae), Labcorp
Classification: Uncertain significance for Xanthinuria type II. Last evaluated: 2021-11-03. Review status: criteria provided, single submitter. Criteria: Invitae Variant Classification Sherloc (09022015). Collection method: clinical testing. Allele origin: germline.
Comment: Algorithms developed to predict the effect of missense changes on protein structure and function output the following: SIFT: "Tolerated"; PolyPhen-2: "Benign"; Align-GVGD: "Class C0". The serine amino acid residue is found in multiple mammalian species, which suggests that this missense change does not adversely affect protein function. In summary, the available evidence is currently insufficient to determine the role of this variant in disease. Therefore, it has been classified as a Variant of Uncertain Significance. This variant has not been reported in the literature in individuals affected with MOCOS-related conditions. The frequency data for this variant in the population databases is considered unreliable, as metrics indicate poor data quality at this position in the gnomAD database. This sequence change replaces proline, which is neutral and non-polar, with serine, which is neutral and polar, at codon 21 of the MOCOS protein (p.Pro21Ser).